The following is an entry in ClinVar:

NM_007294.4(BRCA1):c.1188del (p.Asp396fs)

Gene: BRCA1 (BRCA1 DNA repair associated; minus strand). Cytogenetic location: 17q21.31.
Variant type: Deletion.
Coding change: c.1188del on transcript NM_007294.4 (MANE Select); coding-DNA position 1188, one base deleted (T; older notation c.1188delT).
Protein change: p.Asp396fs; shifts the reading frame from aspartic acid 396.
Molecular consequence: frameshift variant. On other transcripts: intron variant (137).
Genome position (GRCh38, 1-based): chr17:43,094,343, A deleted on the plus strand (T on the coding strand, the reverse complement: BRCA1 is on the minus strand). VCF-style (leftmost placement, unchanged base first): chr17-43094342-CA-C. GRCh37 (hg19) VCF-style: chr17-41246359-CA-C.
Other names: c.807del, p.Asp269fs (NM_001407963.1, NM_001407959.1, NM_001407960.1); c.1044del, p.Asp348fs (NM_001407964.1, NM_001407740.1, NM_001407741.1 and 20 more transcripts); c.684del, p.Asp228fs (NM_001407965.1); c.300del, p.Asp100fs (NM_001407966.1, NM_001407967.1); c.1047del, p.Asp349fs (NM_007297.4, NM_001407692.1, NM_001407694.1 and 29 more transcripts); c.1188del, p.Asp396fs (NM_007300.4, NM_001407581.1, NM_001407582.1 and 30 more transcripts); c.646+401del (NM_001408458.1, NM_001408469.1, NM_001408453.1 and 11 more transcripts); c.283+401del (NM_001408512.1); and 40 more; short protein forms D349fs, D396fs, D284fs, D268fs, D307fs, D326fs, D393fs, D100fs.
Identifiers: ClinVar variation 54158 (VCV000054158.18), dbSNP rs397508845, ClinGen allele CA000784.
Genomic context (GRCh38, chr17:43,094,342, plus strand): 5'-TTAGAACGTCCAATACATCAGCTACTTTGGCATTTGATTCAGACTCCCCATCATGTGAGT[CA>C]TCAGAACCTAACAGTTCATCACTTCTGGAAAACCACTCATTAACTTTCTGAATGCTGCTA-3'

ClinVar aggregate classification (germline): Pathogenic. Review status: reviewed by expert panel (3 of 4 stars). 7 submissions from 7 submitters: Pathogenic (1). 6 of the submissions do not count toward it. Last evaluated 2016-09-08.

Conditions:
BRCA1-related disorder. Also called: BRCA1-related condition.
Hereditary cancer-predisposing syndrome. Also called: Tumor predisposition; Neoplastic Syndromes, Hereditary; Hereditary Cancer Syndrome; Hereditary neoplastic syndrome. Identifiers: Orphanet 140162, MedGen C0027672, MeSH D009386, MONDO:0015356.
Hereditary breast ovarian cancer syndrome. Also called: Hereditary breast and ovarian cancer syndrome (HBOC); Hereditary breast and ovarian cancer syndrome; Hereditary breast and ovarian cancer; Hereditary breast and/or ovarian cancer syndrome; Breast and ovarian cancer; BRCA1- and BRCA2-Associated Hereditary Breast and Ovarian Cancer. Identifiers: Orphanet 145, MedGen C0677776, MeSH D061325, MONDO:0003582. Disease mechanism: loss of function.
Breast-ovarian cancer, familial, susceptibility to, 1 (BROVCA1). Also called: OVARIAN CANCER, SUSCEPTIBILITY TO; BRCA1 Hereditary Breast and Ovarian Cancer. Identifiers: Orphanet 145, MedGen C2676676, MONDO:0011450, OMIM 604370. Disease mechanism: loss of function.

Submissions (7):

Evidence-based Network for the Interpretation of Germline Mutant Alleles (ENIGMA)
Classification: Pathogenic for Breast-ovarian cancer, familial, susceptibility to, 1. Last evaluated: 2016-09-08. Review status: reviewed by expert panel. Criteria: ENIGMA BRCA1/2 Classification Criteria (2015). Collection method: curation. Allele origin: germline.
Comment: Variant allele predicted to encode a truncated non-functional protein.

Ambry Genetics
Classification: Pathogenic for Hereditary cancer-predisposing syndrome. Last evaluated: 2023-07-28. Review status: criteria provided, single submitter. Criteria: Ambry Variant Classification Scheme 2023. Collection method: clinical testing. Allele origin: germline. Not counted in ClinVar's aggregate classification.
Comment: The c.1188delT pathogenic mutation, located in coding exon 9 of the BRCA1 gene, results from a deletion of one nucleotide at nucleotide position 1188, causing a translational frameshift with a predicted alternate stop codon (p.D396Efs*14). This variant is considered to be rare based on population cohorts in the Genome Aggregation Database (gnomAD). In addition to the clinical data presented in the literature, this alteration is expected to result in loss of function by premature protein truncation or nonsense-mediated mRNA decay. As such, this alteration is interpreted as a disease-causing mutation.

Labcorp Genetics (formerly Invitae), Labcorp
Classification: Pathogenic for Hereditary breast ovarian cancer syndrome. Last evaluated: 2023-03-31. Review status: criteria provided, single submitter. Criteria: Invitae Variant Classification Sherloc (09022015). Collection method: clinical testing. Allele origin: germline. Not counted in ClinVar's aggregate classification.
Comment: This sequence change creates a premature translational stop signal (p.Asp396Glufs*14) in the BRCA1 gene. It is expected to result in an absent or disrupted protein product. Loss-of-function variants in BRCA1 are known to be pathogenic (PMID: 20104584). This variant is not present in population databases (gnomAD no frequency). This premature translational stop signal has been observed in individual(s) with hereditary breast and ovarian cancer (PMID: 17131039, 29470806). This variant is also known as c.1307delT. ClinVar contains an entry for this variant (Variation ID: 54158). For these reasons, this variant has been classified as Pathogenic.

Baylor Genetics
Classification: Pathogenic for Breast-ovarian cancer, familial, susceptibility to, 1. Last evaluated: 2021-10-30. Review status: criteria provided, single submitter. Criteria: ACMG Guidelines, 2015. Collection method: clinical testing. Allele origin: unknown. Not counted in ClinVar's aggregate classification.

GeneDx
Classification: Pathogenic. Last evaluated: 2015-04-09. Review status: criteria provided, single submitter. Criteria: GeneDx Variant Classification (06012015). Collection method: clinical testing. Allele origin: germline. Affected: yes. Not counted in ClinVar's aggregate classification.
Comment: This pathogenic variant is denoted BRCA1 c.1188delT at the cDNA level and p.Asp396GlufsX14 (D396EfsX14) at the protein level. The normal sequence with the bases that are deleted in brackets is CTGA[T]GACT. This deletion is also known as BRCA1 1307delT using alternate nomenclature. The deletion causes a frameshift, changing an Aspartic Acid to a Glutamic Acid at codon 396, and creating a premature stop codon at position 14 of the new reading frame. This variant is predicted to cause loss of normal protein function through either protein truncation or nonsense-mediated mRNA decay. BRCA1 c.1188delT has been observed in at least one patient of Indian descent with a clinical history consistent with hereditary breast and/or ovarian cancer (Gajalakshmi 2007). we consider this variant to be pathogenic.

Molecular Endocrinology Laboratory, Christian Medical College
Classification: Pathogenic for Breast-ovarian cancer, familial, susceptibility to, 1. Review status: criteria provided, single submitter. Criteria: ACMG Guidelines, 2015. Collection method: clinical testing. Allele origin: germline. Affected: yes. Not counted in ClinVar's aggregate classification.

PreventionGenetics, part of Exact Sciences
Classification: Pathogenic for BRCA1-related condition. Last evaluated: 2024-07-18. Review status: no assertion criteria provided. Collection method: clinical testing. Allele origin: germline. Not counted in ClinVar's aggregate classification.
Comment: The BRCA1 c.1188delT variant is predicted to result in a frameshift and premature protein termination (p.Asp396Glufs*14). This variant has been reported in individuals with with Breast and/or ovarian cancer (Table S1; Singh et al 2018. PubMed ID: 29470806; Rashid MU et al 2019. PubMed ID: 31528241). This variant has not been reported in a large population database, indicating this variant is rare. Frameshift variants in BRCA1 are expected to be pathogenic. This variant is interpreted as pathogenic.

Literature cited by the submitters: PubMed 20104584 (cited by Labcorp Genetics (formerly Invitae), Labcorp); PubMed 17131039 (cited by Labcorp Genetics (formerly Invitae), Labcorp); PubMed 29470806 (cited by Labcorp Genetics (formerly Invitae), Labcorp).